The following is an entry in ClinVar:

NM_206933.4(USH2A):c.7584C>T (p.Thr2528=)

Gene: USH2A (usherin; minus strand). Cytogenetic location: 1q41.
Variant type: single nucleotide variant.
Coding change: c.7584C>T on transcript NM_206933.4 (MANE Select); coding-DNA position 7584, C replaced by T.
Protein change: p.Thr2528=; no amino-acid change (threonine 2528 retained).
Molecular consequence: synonymous variant.
Genome position (GRCh38, 1-based): chr1:215,900,085, G>A on the plus strand (C>T on the coding strand, the complement: USH2A is on the minus strand). VCF-style: chr1-215900085-G-A. GRCh37 (hg19) VCF-style: chr1-216073427-G-A.
Identifiers: ClinVar variation 48585 (VCV000048585.20), dbSNP rs78250390, ClinGen allele CA143599.
Genomic context (GRCh38, chr1:215,900,085, plus strand): 5'-AAGCTCCCTATGTAGAAGACATTTGGCTGTGTATTGTTCAGACCACTTACTGTCCTCTGC[G>A]GTCATGAATGGAATCCAAGAACTATGTGCACTGCCAAATCCATTGGAGGCAACCAACCGA-3'
Protein context (NP_996816.3, residues 2518-2538): SAHSSWIPFM[Thr2528=]AEDKPGPVVP

ClinVar aggregate classification (germline): Benign. Review status: criteria provided, multiple submitters, no conflicts (2 of 4 stars). 8 submissions from 7 submitters: Benign (7). 1 of the submissions does not count toward it. Last evaluated 2026-02-01.

Conditions:
Usher syndrome type 2A. Also called: RETINAL DISEASE IN USHER SYNDROME TYPE IIA, MODIFIER OF; USHER SYNDROME, TYPE IIA. Identifiers: Orphanet 231178, Orphanet 886, MedGen C1848634, MONDO:0010169, OMIM 276901.
Retinitis pigmentosa 39 (RP39). Identifiers: Orphanet 791, MedGen C3151138, MONDO:0013436, OMIM 613809.

Allele frequency attached by ClinVar (database versions not stated): gnomAD exomes 0.00266; ExAC 0.00322; gnomAD 0.00917 and 0.00976; 1000 Genomes Project 0.01018; TOPMed 0.01065; 1000 Genomes Project 30x 0.01093; ESP Exome Variant Server 0.01161.
gnomAD v4.1: 3,124 of 1,613,542 alleles (0.19%); highest among the groups gnomAD compares: African/African-American, 3.2%; 44 homozygotes.

Submissions (8):

Labcorp Genetics (formerly Invitae), Labcorp
Classification: Benign. Last evaluated: 2026-02-01. Review status: criteria provided, single submitter. Criteria: Invitae Variant Classification Sherloc (09022015). Collection method: clinical testing. Allele origin: germline.

Genome-Nilou Lab
Classification: Benign for Retinitis pigmentosa 39. Last evaluated: 2023-11-04. Review status: criteria provided, single submitter. Criteria: ACMG Guidelines, 2015. Collection method: clinical testing. Allele origin: germline. Affected: no.

Genome-Nilou Lab
Classification: Benign for Usher syndrome type 2A. Last evaluated: 2023-11-04. Review status: criteria provided, single submitter. Criteria: ACMG Guidelines, 2015. Collection method: clinical testing. Allele origin: germline. Affected: no.

GeneDx
Classification: Benign. Last evaluated: 2017-03-27. Review status: criteria provided, single submitter. Criteria: GeneDx Variant Classification (06012015). Collection method: clinical testing. Allele origin: germline. Affected: yes.
Comment: This variant is considered likely benign or benign based on one or more of the following criteria: it is a conservative change, it occurs at a poorly conserved position in the protein, it is predicted to be benign by multiple in silico algorithms, and/or has population frequency not consistent with disease.

Laboratory for Molecular Medicine, Mass General Brigham Personalized Medicine
Classification: Benign. Last evaluated: 2012-02-20. Review status: criteria provided, single submitter. Criteria: LMM Criteria. Collection method: clinical testing. Allele origin: germline. Observed: 18 variant alleles.
Comment: Thr2528Thr in exon 40 of USH2A: This variant is not expected to have clinical si gnificance because it does not alter an amino acid residue, is not located withi n the splice consensus sequence, and has been identified in 3.2% (119/3738) of A frican American chromosomes by the NHLBI Exome Sequencing Project (.; dbSNP rs78250390).

Breakthrough Genomics
Classification: Benign. Review status: criteria provided, single submitter. Criteria: ACMG Guidelines, 2015. Collection method: not provided. Allele origin: germline. Inheritance: Autosomal recessive inheritance. Affected: yes.

PreventionGenetics, part of Exact Sciences
Classification: Benign. Review status: criteria provided, single submitter. Criteria: ACMG Guidelines, 2015. Collection method: clinical testing. Allele origin: germline.

NEI Ophthalmic Genomics Laboratory, National Institutes of Health
No classification provided. Review status: no classification provided. Collection method: not provided. Allele origin: not provided. Not counted in ClinVar's aggregate classification.